The following is an entry in ClinVar:

NM_012186.3(FOXE3):c.789G>A (p.Ser263=)

Genes: FOXE3 (forkhead box E3; plus strand), LINC01389 (long independently transcribed non-coding RNA 1389; minus strand). Cytogenetic location: 1p33.
Variant type: single nucleotide variant.
Coding change: c.789G>A on transcript NM_012186.3 (MANE Select); coding-DNA position 789, G replaced by A.
Protein change: p.Ser263=; no amino-acid change (serine 263 retained).
Molecular consequence: synonymous variant.
Genome position (GRCh38, 1-based): chr1:47,417,104, G>A. VCF-style: chr1-47417104-G-A. GRCh37 (hg19) VCF-style: chr1-47882776-G-A.
Other names: c.789G>A (NM_012186.2).
Identifiers: ClinVar variation 1098137 (VCV001098137.11), dbSNP rs1252974267, ClinGen allele CA417892384.

ClinVar aggregate classification (germline): Likely benign. Review status: criteria provided, single submitter (1 of 4 stars). 2 submissions from 2 submitters: Likely benign (1). 1 of the submissions does not count toward it. Last evaluated 2019-09-02.

Conditions:
FOXE3-related disorder. Also called: FOXE3-related condition.
Anterior segment dysgenesis. Also called: Ocular anterior segment dysgenesis. Identifiers: Orphanet 88632, MedGen C1862839, MONDO:0019503, HP:0007700.
Congenital primary aphakia. Also called: Anterior segment dysgenesis 2, multiple subtypes; ANTERIOR SEGMENT DYSGENESIS 2. Identifiers: Orphanet 83461, MedGen C1853230, MONDO:0012456, OMIM 610256.

Submissions (2):

Labcorp Genetics (formerly Invitae), Labcorp
Classification: Likely benign for Anterior segment dysgenesis; Congenital primary aphakia. Last evaluated: 2019-09-02. Review status: criteria provided, single submitter. Criteria: Invitae Variant Classification Sherloc (09022015). Collection method: clinical testing. Allele origin: germline.

PreventionGenetics, part of Exact Sciences
Classification: Likely benign for FOXE3-related condition. Last evaluated: 2022-11-29. Review status: no assertion criteria provided. Collection method: clinical testing. Allele origin: germline. Not counted in ClinVar's aggregate classification.
Comment: This variant is classified as likely benign based on ACMG/AMP sequence variant interpretation guidelines (Richards et al. 2015 PMID: 25741868, with internal and published modifications).